The following is an entry in ClinVar:

NM_024580.6(EFL1):c.1397A>G (p.Gln466Arg)

Gene: EFL1 (elongation factor like GTPase 1; minus strand). Cytogenetic location: 15q25.2.
Variant type: single nucleotide variant.
Coding change: c.1397A>G on transcript NM_024580.6 (MANE Select); coding-DNA position 1397, A replaced by G.
Protein change: p.Gln466Arg; replaces glutamine 466 with arginine.
Molecular consequence: missense variant. On other transcripts: non-coding transcript variant (1).
Genome position (GRCh38, 1-based): chr15:82,220,125, T>C on the plus strand (A>G on the coding strand, the complement: EFL1 is on the minus strand). VCF-style: chr15-82220125-T-C. GRCh37 (hg19) VCF-style: chr15-82512466-T-C.
Other names: c.1244A>G, p.Gln415Arg (NM_001040610.3); c.608A>G, p.Gln203Arg (NM_001322844.2); c.1397A>G, p.Gln466Arg (NM_001322845.2); short protein forms Q203R, Q415R, Q466R.
Identifiers: ClinVar variation 4891065 (VCV004891065.1).

ClinVar aggregate classification (germline): Uncertain significance (1 of 4 stars; one submission).

gnomAD v4.1: 16 of 1,613,626 alleles (0.00099%); highest among the groups gnomAD compares: African/African-American, 0.017%; no homozygotes.

Submission:

Greenwood Genetic Center Diagnostic Laboratories, Greenwood Genetic Center
Classification: Uncertain significance. Last evaluated: 2026-05-11. Review status: criteria provided, single submitter. Criteria: ACMG Guidelines, 2015. Collection method: clinical testing. Allele origin: germline.
Comment: PM2, BP4